The following is an entry in ClinVar:

NM_052947.4(ALPK2):c.5243T>A (p.Ile1748Asn)

Genes: ALPK2 (alpha kinase 2; minus strand), LOC130062577 (ATAC-STARR-seq lymphoblastoid active region 13389; plus strand). Cytogenetic location: 18q21.31.
Variant type: single nucleotide variant.
Coding change: c.5243T>A on transcript NM_052947.4 (MANE Select); coding-DNA position 5243, T replaced by A.
Protein change: p.Ile1748Asn; replaces isoleucine 1748 with asparagine.
Molecular consequence: missense variant.
Genome position (GRCh38, 1-based): chr18:58,534,944, A>T on the plus strand (T>A on the coding strand, the complement: ALPK2 is on the minus strand). VCF-style: chr18-58534944-A-T. GRCh37 (hg19) VCF-style: chr18-56202176-A-T.
Other names: short protein forms I1748N.
Identifiers: ClinVar variation 1746310 (VCV001746310.3), dbSNP rs2051635269, ClinGen allele CA402557401.

ClinVar aggregate classification (germline): Uncertain significance (1 of 4 stars; one submission).

Submission:

Ambry Genetics
Classification: Uncertain significance. Last evaluated: 2023-07-30. Review status: criteria provided, single submitter. Criteria: Ambry Variant Classification Scheme 2023. Collection method: clinical testing. Allele origin: germline.
Comment: The p.I1748N variant (also known as c.5243T>A), located in coding exon 4 of the ALPK2 gene, results from a T to A substitution at nucleotide position 5243. The isoleucine at codon 1748 is replaced by asparagine, an amino acid with dissimilar properties. This amino acid position is conserved. In addition, this alteration is predicted to be tolerated by in silico analysis. Since supporting evidence is limited at this time, the clinical significance of this alteration remains unclear.